The following is an entry in ClinVar:

NM_003238.6(TGFB2):c.594G>T (p.Trp198Cys)

Gene: TGFB2 (transforming growth factor beta 2; plus strand). Cytogenetic location: 1q41.
Variant type: single nucleotide variant.
Coding change: c.594G>T on transcript NM_003238.6 (MANE Select); coding-DNA position 594, G replaced by T.
Protein change: p.Trp198Cys; replaces tryptophan 198 with cysteine.
Molecular consequence: missense variant. On other transcripts: non-coding transcript variant (2).
Genome position (GRCh38, 1-based): chr1:218,434,165, G>T. VCF-style: chr1-218434165-G-T. GRCh37 (hg19) VCF-style: chr1-218607507-G-T.
Other names: c.594G>T (NM_003238.3); c.678G>T, p.Trp226Cys (NM_001135599.4); short protein forms W226C, W198C.
Identifiers: ClinVar variation 1376970 (VCV001376970.7), dbSNP rs2102626457, ClinGen allele CA344726600.

ClinVar aggregate classification (germline): Uncertain significance. Review status: criteria provided, multiple submitters, no conflicts (2 of 4 stars). 2 submissions from 2 submitters: Uncertain significance (2). Last evaluated 2025-07-29.

Conditions:
Loeys-Dietz syndrome 4 (LDS4). Also called: ANEURYSM, AORTIC AND CEREBRAL, WITH ARTERIAL TORTUOSITY AND SKELETAL MANIFESTATIONS; TGFB2-Related Loeys-Dietz Syndrome. Identifiers: MedGen C3553762, MONDO:0013897, OMIM 614816.
Familial thoracic aortic aneurysm and aortic dissection (TAAD). Also called: Thoracic aortic aneurysms and dissections. Identifiers: Orphanet 91387, MedGen C4707243, MONDO:0019625.

gnomAD v4.1: 1 of 1,614,134 alleles (0.000062%); no homozygotes.

Submissions (2):

Labcorp Genetics (formerly Invitae), Labcorp
Classification: Uncertain significance for Loeys-Dietz syndrome 4. Last evaluated: 2025-07-29. Review status: criteria provided, single submitter. Criteria: Invitae Variant Classification Sherloc (09022015). Collection method: clinical testing. Allele origin: germline.
Comment: This sequence change replaces tryptophan, which is neutral and slightly polar, with cysteine, which is neutral and slightly polar, at codon 198 of the TGFB2 protein (p.Trp198Cys). This variant is not present in population databases (gnomAD no frequency). This variant has not been reported in the literature in individuals affected with TGFB2-related conditions. ClinVar contains an entry for this variant (Variation ID: 1376970). Invitae Evidence Modeling of protein sequence and biophysical properties (such as structural, functional, and spatial information, amino acid conservation, physicochemical variation, residue mobility, and thermodynamic stability) indicates that this missense variant is expected to disrupt TGFB2 protein function with a positive predictive value of 80%. In summary, the available evidence is currently insufficient to determine the role of this variant in disease. Therefore, it has been classified as a Variant of Uncertain Significance.

Ambry Genetics
Classification: Uncertain significance for Familial thoracic aortic aneurysm and aortic dissection. Last evaluated: 2025-03-23. Review status: criteria provided, single submitter. Criteria: Ambry Variant Classification Scheme 2023. Collection method: clinical testing. Allele origin: germline.
Comment: The p.W198C variant (also known as c.594G>T), located in coding exon 3 of the TGFB2 gene, results from a G to T substitution at nucleotide position 594. The tryptophan at codon 198 is replaced by cysteine, an amino acid with highly dissimilar properties. This amino acid position is conserved. In addition, this alteration is predicted to be deleterious by in silico analysis. Based on the available evidence, the clinical significance of this variant remains unclear.